The following is an entry in ClinVar:

ClinVar aggregate classification (germline): Uncertain significance (1 of 4 stars; one submission).

Allele frequency attached by ClinVar (database versions not stated): gnomAD exomes below 0.00001.
gnomAD v4.1: 2 of 1,612,120 alleles (0.00012%); highest among the groups gnomAD compares: Non-Finnish European, 0.00017%; no homozygotes.

Submission:

Labcorp Genetics (formerly Invitae), Labcorp
Classification: Uncertain significance. Last evaluated: 2022-08-16. Review status: criteria provided, single submitter. Criteria: Invitae Variant Classification Sherloc (09022015). Collection method: clinical testing. Allele origin: germline.
Comment: This sequence change replaces aspartic acid, which is acidic and polar, with alanine, which is neutral and non-polar, at codon 386 of the TRIOBP protein (p.Asp386Ala). This variant is present in population databases (no rsID available, gnomAD 0.0009%). This variant has not been reported in the literature in individuals affected with TRIOBP-related conditions. Algorithms developed to predict the effect of missense changes on protein structure and function are either unavailable or do not agree on the potential impact of this missense change (SIFT: "Deleterious"; PolyPhen-2: "Probably Damaging"; Align-GVGD: "Class C0"). ClinVar contains an entry for this variant (Variation ID: 1467023). In summary, the available evidence is currently insufficient to determine the role of this variant in disease. Therefore, it has been classified as a Variant of Uncertain Significance.

NM_001039141.3(TRIOBP):c.1157A>C (p.Asp386Ala)

Gene: TRIOBP (TRIO and F-actin binding protein; plus strand). Cytogenetic location: 22q13.1.
Variant type: single nucleotide variant.
Coding change: c.1157A>C on transcript NM_001039141.3 (MANE Select); coding-DNA position 1157, A replaced by C.
Protein change: p.Asp386Ala; replaces aspartic acid 386 with alanine.
Molecular consequence: missense variant.
Genome position (GRCh38, 1-based): chr22:37,723,713, A>C. VCF-style: chr22-37723713-A-C. GRCh37 (hg19) VCF-style: chr22-38119720-A-C.
Other names: short protein forms D386A.
Identifiers: ClinVar variation 1467023 (VCV001467023.8), dbSNP rs1293876937, ClinGen allele CA411458852.
Genomic context (GRCh38, chr22:37,723,713, plus strand): 5'-CTTCTTTTCCTACTTGTACTCCCCAGCGGGAAAACCCCAGGACACCCTGTGTCCAGCAGG[A>C]CGATCCCAGAGCCTCCTCTCCCAACAGAACCACTCAACGAGAGAATTCCAGAACATCCTG-3'
Protein context (NP_001034230.1, residues 376-396): ENPRTPCVQQ[Asp386Ala]DPRASSPNRT